The following is an entry in ClinVar:

NM_004974.4(KCNA2):c.1150A>G (p.Thr384Ala)

Gene: KCNA2 (potassium voltage-gated channel subfamily A member 2; minus strand). Cytogenetic location: 1p13.3.
Variant type: single nucleotide variant.
Coding change: c.1150A>G on transcript NM_004974.4 (MANE Select); coding-DNA position 1150, A replaced by G.
Protein change: p.Thr384Ala; replaces threonine 384 with alanine.
Molecular consequence: missense variant. On other transcripts: intron variant (1).
Genome position (GRCh38, 1-based): chr1:110,603,633, T>C on the plus strand (A>G on the coding strand, the complement: KCNA2 is on the minus strand). VCF-style: chr1-110603633-T-C. GRCh37 (hg19) VCF-style: chr1-111146255-T-C.
Other names: c.894+256A>G (NM_001204269.2); short protein forms T384A.
Identifiers: ClinVar variation 3720966 (VCV003720966.2).
Genomic context (GRCh38, chr1:110,603,633, plus strand): 5'-AGGCAATAGTTAACACACCTGCAATCGCACATAGGGAACCCACTATCTTTCCCCCAATGG[T>C]AGTCGGAACCATGTCTCCATAGCCTACAGTTGTCATGGAGACGACTGCCCACCAGAAGGC-3'
Protein context (NP_004965.1, residues 374-394): TVGYGDMVPT[Thr384Ala]IGGKIVGSLC

ClinVar aggregate classification (germline): Uncertain significance (1 of 4 stars; one submission).

Conditions:
Developmental and epileptic encephalopathy, 32 (DEE32). Also called: Epileptic encephalopathy, early infantile, 32. Identifiers: Orphanet 442835, MedGen C4225350, MONDO:0014607, OMIM 616366.

Submission:

Labcorp Genetics (formerly Invitae), Labcorp
Classification: Uncertain significance for Developmental and epileptic encephalopathy, 32. Last evaluated: 2025-01-08. Review status: criteria provided, single submitter. Criteria: Invitae Variant Classification Sherloc (09022015). Collection method: clinical testing. Allele origin: germline.
Comment: This sequence change replaces threonine, which is neutral and polar, with alanine, which is neutral and non-polar, at codon 384 of the KCNA2 protein (p.Thr384Ala). This variant is not present in population databases (gnomAD no frequency). This variant has not been reported in the literature in individuals affected with KCNA2-related conditions. Invitae Evidence Modeling of protein sequence and biophysical properties (such as structural, functional, and spatial information, amino acid conservation, physicochemical variation, residue mobility, and thermodynamic stability) indicates that this missense variant is expected to disrupt KCNA2 protein function with a positive predictive value of 95%. Experimental studies have shown that this missense change affects KCNA2 function (PMID: 16770729). In summary, the available evidence is currently insufficient to determine the role of this variant in disease. Therefore, it has been classified as a Variant of Uncertain Significance.

Literature cited by the submitters: PubMed 16770729.